The following is an entry in ClinVar:

NM_153840.4(ADGRF1):c.602C>T (p.Thr201Ile)

Gene: ADGRF1 (adhesion G protein-coupled receptor F1; minus strand). Cytogenetic location: 6p12.3.
Variant type: single nucleotide variant.
Coding change: c.602C>T on transcript NM_153840.4 (MANE Select); coding-DNA position 602, C replaced by T.
Protein change: p.Thr201Ile; replaces threonine 201 with isoleucine.
Molecular consequence: missense variant.
Genome position (GRCh38, 1-based): chr6:47,020,740, G>A on the plus strand (C>T on the coding strand, the complement: ADGRF1 is on the minus strand). VCF-style: chr6-47020740-G-A. GRCh37 (hg19) VCF-style: chr6-46988476-G-A.
Other names: c.602C>T, p.Thr201Ile (NM_025048.4); short protein forms T201I.
Identifiers: ClinVar variation 2656633 (VCV002656633.24), dbSNP rs115889915, ClinGen allele CA3843122.

ClinVar aggregate classification (germline): Likely benign (1 of 4 stars; one submission).

Allele frequency attached by ClinVar (database versions not stated): 1000 Genomes Project 30x 0.00234; 1000 Genomes Project 0.00240; TOPMed 0.00351; ESP Exome Variant Server 0.00392; gnomAD 0.00413; ExAC 0.00458; gnomAD exomes 0.00533.

Submission:

CeGaT Center for Human Genetics Tuebingen
Classification: Likely benign. Last evaluated: 2023-03-01. Review status: criteria provided, single submitter. Criteria: CeGaT Center For Human Genetics Tuebingen Variant Classification Criteria Version 2. Collection method: clinical testing. Allele origin: germline. Affected: yes. Observed: 1 variant allele.
Comment: ADGRF1: BS2